The following is an entry in ClinVar:

NM_000321.3(RB1):c.1494del (p.Thr497_Tyr498insTer)

Gene: RB1 (RB transcriptional corepressor 1; plus strand). Cytogenetic location: 13q14.2.
Variant type: Deletion.
Coding change: c.1494del on transcript NM_000321.3 (MANE Select); coding-DNA position 1494, one base deleted (T; older notation c.1494delT).
Protein change: p.Thr497_Tyr498insTer.
Molecular consequence: nonsense.
Genome position (GRCh38, 1-based): chr13:48,380,237, T deleted. VCF-style (leftmost placement, unchanged base first): chr13-48380236-AT-A. GRCh37 (hg19) VCF-style: chr13-48954372-AT-A.
Other names: c.1494del, p.Thr497_Tyr498insTer (NM_001407165.1, NM_001407166.1).
Identifiers: ClinVar variation 3236996 (VCV003236996.1), dbSNP rs2542204841.

ClinVar aggregate classification (germline): Pathogenic (1 of 4 stars; one submission).

Conditions:
Retinoblastoma (RB1). Also called: RETINOBLASTOMA, SOMATIC. Identifiers: Orphanet 790, MedGen C0035335, MeSH D012175, MONDO:0008380, OMIM 180200, HP:0009919. Disease mechanism: loss of function. Inheritance: Both sporadic and heritable forms are tested..

Submission:

Genetic Diagnostic Laboratory, University of Pennsylvania School of Medicine
Classification: Pathogenic for Retinoblastoma. Last evaluated: 2024-05-20. Review status: criteria provided, single submitter. Criteria: ACMG Guidelines, 2015. Collection method: clinical testing. Allele origin: germline. Affected: yes. Observed: 1 variant allele.
Comment: Case and Pedigree Information: BILATERAL CASES:1, UNILATERAL CASES:0, TOTAL CASES:1, PEDIGREES:1. ACMG Codes Applied:PVS1, PM2